The following is an entry in ClinVar:

ClinVar aggregate classification (germline): Likely benign. Review status: criteria provided, multiple submitters, no conflicts (2 of 4 stars). 4 submissions from 4 submitters: Likely benign (4). Last evaluated 2025-11-05.

Conditions:
Hereditary nonpolyposis colorectal neoplasms. Identifiers: MedGen C0009405, MeSH D003123.
Hereditary cancer-predisposing syndrome. Also called: Tumor predisposition; Hereditary neoplastic syndrome; Neoplastic Syndromes, Hereditary; Hereditary Cancer Syndrome. Identifiers: Orphanet 140162, MedGen C0027672, MeSH D009386, MONDO:0015356.
Lynch syndrome 5 (LYNCH5). Also called: Colorectal cancer, hereditary nonpolyposis, type 5; Hereditary non-polyposis colorectal cancer, type 5. Identifiers: Orphanet 144, MedGen C1833477, MONDO:0013710, OMIM 614350. Disease mechanism: loss of function.

Allele frequency attached by ClinVar (database versions not stated): gnomAD exomes below 0.00001; TOPMed below 0.00001.
gnomAD v4.1: 3 of 1,608,144 alleles (0.00019%); highest among the groups gnomAD compares: Middle Eastern, 0.016%; no homozygotes.

Submissions (4):

Labcorp Genetics (formerly Invitae), Labcorp
Classification: Likely benign for Hereditary nonpolyposis colorectal neoplasms. Last evaluated: 2025-11-05. Review status: criteria provided, single submitter. Criteria: Invitae Variant Classification Sherloc (09022015). Collection method: clinical testing. Allele origin: germline.

Myriad Genetics, Inc.
Classification: Likely benign for Lynch syndrome 5. Last evaluated: 2025-01-03. Review status: criteria provided, single submitter. Criteria: Myriad Autosomal Dominant, Autosomal Recessive and X-Linked Classification Criteria (2023). Collection method: clinical testing. Allele origin: unknown.
Comment: This variant is considered likely benign. This variant is intronic and is not expected to impact mRNA splicing.

Department of Pathology and Laboratory Medicine, Sinai Health System
Classification: Likely benign for Lynch syndrome 5. Last evaluated: 2023-08-10. Review status: criteria provided, single submitter. Criteria: ACMG Guidelines, 2015. Collection method: clinical testing. Allele origin: germline. Affected: yes.

Color Diagnostics, LLC DBA Color Health
Classification: Likely benign for Hereditary cancer-predisposing syndrome. Last evaluated: 2016-09-11. Review status: criteria provided, single submitter. Criteria: ACMG Guidelines, 2015. Collection method: clinical testing. Allele origin: germline.

NM_000179.3(MSH6):c.3172+7C>T

Gene: MSH6 (mutS homolog 6; plus strand). Cytogenetic location: 2p16.3.
Variant type: single nucleotide variant.
Coding change: c.3172+7C>T on transcript NM_000179.3 (MANE Select); 7 bases into the intron after coding-DNA position 3172, C replaced by T.
Molecular consequence: intron variant.
Genome position (GRCh38, 1-based): chr2:47,801,162, C>T. VCF-style: chr2-47801162-C-T. GRCh37 (hg19) VCF-style: chr2-48028301-C-T.
Other names: c.2266+7C>T (NM_001281493.2, NM_001281494.2); c.2782+7C>T (NM_001281492.2).
Identifiers: ClinVar variation 135840 (VCV000135840.16), dbSNP rs587780676, ClinGen allele CA011738.